The following is an entry in ClinVar:

ClinVar aggregate classification (germline): Likely benign. Review status: criteria provided, single submitter (1 of 4 stars). 2 submissions from 2 submitters: Likely benign (1). 1 of the submissions does not count toward it. Last evaluated 2024-08-29.

Conditions:
PLCG2-related disorder. Also called: PLCG2-related condition.
Familial cold autoinflammatory syndrome 3 (FCAS3). Also called: ANTIBODY DEFICIENCY AND IMMUNE DYSREGULATION, PLCG2-ASSOCIATED; FAMILIAL ATYPICAL COLD URTICARIA. Identifiers: Orphanet 300359, MedGen C3280914, MONDO:0013766, OMIM 614468.

Allele frequency attached by ClinVar (database versions not stated): ExAC 0.00001; gnomAD 0.00001; gnomAD exomes 0.00001.
gnomAD v4.1: 18 of 1,613,282 alleles (0.0011%); highest among the groups gnomAD compares: East Asian, 0.0045%; no homozygotes.

Submissions (2):

Labcorp Genetics (formerly Invitae), Labcorp
Classification: Likely benign for Familial cold autoinflammatory syndrome 3. Last evaluated: 2024-08-29. Review status: criteria provided, single submitter. Criteria: Invitae Variant Classification Sherloc (09022015). Collection method: clinical testing. Allele origin: germline.

PreventionGenetics, part of Exact Sciences
Classification: Likely benign for PLCG2-related condition. Last evaluated: 2023-07-03. Review status: no assertion criteria provided. Collection method: clinical testing. Allele origin: germline. Not counted in ClinVar's aggregate classification.
Comment: This variant is classified as likely benign based on ACMG/AMP sequence variant interpretation guidelines (Richards et al. 2015 PMID: 25741868, with internal and published modifications).

NM_002661.5(PLCG2):c.3576C>T (p.Ser1192=)

Gene: PLCG2 (phospholipase C gamma 2; plus strand). Cytogenetic location: 16q23.3.
Variant type: single nucleotide variant.
Coding change: c.3576C>T on transcript NM_002661.5 (MANE Select); coding-DNA position 3576, C replaced by T.
Protein change: p.Ser1192=; no amino-acid change (serine 1192 retained).
Molecular consequence: synonymous variant.
Genome position (GRCh38, 1-based): chr16:81,956,700, C>T. VCF-style: chr16-81956700-C-T. GRCh37 (hg19) VCF-style: chr16-81990305-C-T.
Other names: c.3576C>T (NM_002661.4).
Identifiers: ClinVar variation 1606806 (VCV001606806.10), dbSNP rs767695750, ClinGen allele CA8194783.